The following is an entry in ClinVar:

NM_001376.5(DYNC1H1):c.6348G>A (p.Glu2116=)

Gene: DYNC1H1 (dynein cytoplasmic 1 heavy chain 1; plus strand). Cytogenetic location: 14q32.31.
Variant type: single nucleotide variant.
Coding change: c.6348G>A on transcript NM_001376.5 (MANE Select); coding-DNA position 6348, G replaced by A.
Protein change: p.Glu2116=; no amino-acid change (glutamic acid 2116 retained).
Molecular consequence: synonymous variant.
Genome position (GRCh38, 1-based): chr14:102,010,402, G>A. VCF-style: chr14-102010402-G-A. GRCh37 (hg19) VCF-style: chr14-102476739-G-A.
Identifiers: ClinVar variation 2113865 (VCV002113865.26), dbSNP rs2503752083, ClinGen allele CA488184604.

ClinVar aggregate classification (germline): Likely benign. Review status: criteria provided, multiple submitters, no conflicts (2 of 4 stars). 2 submissions from 2 submitters: Likely benign (2). Last evaluated 2024-01-01.

Conditions:
Charcot-Marie-Tooth disease axonal type 2O. Also called: CHARCOT-MARIE-TOOTH NEUROPATHY, AXONAL, TYPE 2O; CHARCOT-MARIE-TOOTH DISEASE, AXONAL, AUTOSOMAL DOMINANT, TYPE 2O; Charcot-Marie-Tooth Neuropathy Type 2O; Charcot-Marie-Tooth disease, axonal, type 20. Identifiers: Orphanet 284232, MedGen C3280220, MONDO:0013644, OMIM 614228.

Submissions (2):

CeGaT Center for Human Genetics Tuebingen
Classification: Likely benign. Last evaluated: 2024-01-01. Review status: criteria provided, single submitter. Criteria: CeGaT Center For Human Genetics Tuebingen Variant Classification Criteria Version 2. Collection method: clinical testing. Allele origin: germline. Affected: yes. Observed: 1 variant allele.
Comment: DYNC1H1: PM2:Supporting, BP4, BP7

Labcorp Genetics (formerly Invitae), Labcorp
Classification: Likely benign for Charcot-Marie-Tooth disease axonal type 2O. Last evaluated: 2022-03-23. Review status: criteria provided, single submitter. Criteria: Invitae Variant Classification Sherloc (09022015). Collection method: clinical testing. Allele origin: germline.